The following is an entry in ClinVar:

ClinVar aggregate classification (germline): Uncertain significance. Review status: criteria provided, multiple submitters, no conflicts (2 of 4 stars). 2 submissions from 2 submitters: Uncertain significance (2). Last evaluated 2026-07-06.

Conditions:
Hereditary cancer-predisposing syndrome. Also called: Neoplastic Syndromes, Hereditary; Hereditary Cancer Syndrome; Tumor predisposition; Hereditary neoplastic syndrome. Identifiers: Orphanet 140162, MedGen C0027672, MeSH D009386, MONDO:0015356.
Familial adenomatous polyposis 1 (FAP1). Also called: FAMILIAL ADENOMATOUS POLYPOSIS 1, ATTENUATED; POLYPOSIS, ADENOMATOUS INTESTINAL. Identifiers: MedGen C2713442, MONDO:0021056, OMIM 175100. Disease mechanism: loss of function.

Allele frequency attached by ClinVar (database versions not stated): gnomAD exomes below 0.00001; TOPMed 0.00001.
gnomAD v4.1: 3 of 1,613,998 alleles (0.00019%); highest among the groups gnomAD compares: Non-Finnish European, 0.00025%; no homozygotes.

Submissions (2):

Ambry Genetics
Classification: Uncertain significance for Hereditary cancer-predisposing syndrome. Last evaluated: 2026-07-06. Review status: criteria provided, single submitter. Criteria: Ambry Variant Classification Scheme 2023. Collection method: clinical testing. Allele origin: germline.
Comment: The p.P2299S variant (also known as c.6895C>T), located in coding exon 15 of the APC gene, results from a C to T substitution at nucleotide position 6895. The proline at codon 2299 is replaced by serine, an amino acid with similar properties. This amino acid position is conserved. In addition, in silico predictors for this gene do not accurately predict pathogenicity. Based on the available evidence, the clinical significance of this variant remains unclear.

Labcorp Genetics (formerly Invitae), Labcorp
Classification: Uncertain significance for Familial adenomatous polyposis 1. Last evaluated: 2022-12-10. Review status: criteria provided, single submitter. Criteria: Invitae Variant Classification Sherloc (09022015). Collection method: clinical testing. Allele origin: germline.
Comment: In summary, the available evidence is currently insufficient to determine the role of this variant in disease. Therefore, it has been classified as a Variant of Uncertain Significance. Advanced modeling of protein sequence and biophysical properties (such as structural, functional, and spatial information, amino acid conservation, physicochemical variation, residue mobility, and thermodynamic stability) performed at Invitae indicates that this missense variant is not expected to disrupt APC protein function. ClinVar contains an entry for this variant (Variation ID: 411353). This variant has not been reported in the literature in individuals affected with APC-related conditions. This variant is not present in population databases (gnomAD no frequency). This sequence change replaces proline, which is neutral and non-polar, with serine, which is neutral and polar, at codon 2299 of the APC protein (p.Pro2299Ser).

NM_000038.6(APC):c.6895C>T (p.Pro2299Ser)

Gene: APC (APC regulator of Wnt signaling pathway; plus strand). Cytogenetic location: 5q22.2.
Variant type: single nucleotide variant.
Coding change: c.6895C>T on transcript NM_000038.6 (MANE Select); coding-DNA position 6895, C replaced by T.
Protein change: p.Pro2299Ser; replaces proline 2299 with serine.
Molecular consequence: missense variant.
Genome position (GRCh38, 1-based): chr5:112,842,489, C>T. VCF-style: chr5-112842489-C-T. GRCh37 (hg19) VCF-style: chr5-112178186-C-T.
Other names: c.6895C>T, p.Pro2299Ser (NM_001127510.3, NM_001354895.2); c.6841C>T, p.Pro2281Ser (NM_001127511.3); c.6949C>T, p.Pro2317Ser (NM_001354896.2); c.6925C>T, p.Pro2309Ser (NM_001354897.2); c.6820C>T, p.Pro2274Ser (NM_001354898.2); c.6811C>T, p.Pro2271Ser (NM_001354899.2); c.6772C>T, p.Pro2258Ser (NM_001354900.2); c.6718C>T, p.Pro2240Ser (NM_001354901.2); and 5 more; short protein forms P2281S, P2299S, P2016S, P2139S, P2208S, P2173S, P2274S, P2309S.
Identifiers: ClinVar variation 411353 (VCV000411353.11), dbSNP rs1060503267, ClinGen allele CA16036378.